The following is an entry in ClinVar:

ClinVar aggregate classification (germline): Uncertain significance. Review status: criteria provided, multiple submitters, no conflicts (2 of 4 stars). 7 submissions from 7 submitters: Uncertain significance (6). 1 of the submissions does not count toward it. Last evaluated 2026-10-01.

Conditions:
Inborn genetic diseases. Identifiers: MedGen C0950123, MeSH D030342.
Cohen syndrome (COH1). Also called: Cutis verticis gyrata, retinitis pigmentosa, and sensorineural deafness; PEPPER SYNDROME. Identifiers: Orphanet 193, MedGen C0265223, MONDO:0008999, OMIM 216550.
VPS13B-related disorder. Also called: VPS13B-related condition.

Allele frequency attached by ClinVar (database versions not stated): gnomAD 0.00012 and 0.00013; TOPMed 0.00019; gnomAD exomes 0.00006; ExAC 0.00007; 1000 Genomes Project 30x 0.00062; ESP Exome Variant Server 0.00023; 1000 Genomes Project 0.00080.
gnomAD v4.1: 122 of 1,614,066 alleles (0.0076%); highest among the groups gnomAD compares: African/African-American, 0.024%; no homozygotes.

Submissions (7):

GeneDx
Classification: Uncertain significance. Last evaluated: 2026-10-01. Review status: criteria provided, single submitter. Criteria: GeneDx Variant Classification Process June 2021. Collection method: clinical testing. Allele origin: germline.
Comment: In silico analysis supports that this missense variant has a deleterious effect on protein structure/function; Has not been previously published as pathogenic or benign to our knowledge

PreventionGenetics, part of Exact Sciences
Classification: Uncertain significance for VPS13B-related condition. Last evaluated: 2026-09-14. Review status: criteria provided, single submitter. Criteria: ACMG Guidelines, 2015. Collection method: clinical testing. Allele origin: germline.
Comment: The VPS13B c.11312C>T variant is predicted to result in the amino acid substitution p.Ser3771Leu. To our knowledge, this variant has not been reported in the literature. This variant is reported in 0.028% of alleles in individuals of African descent in gnomAD. At this time, the clinical significance of this variant is uncertain due to the absence of conclusive functional and genetic evidence.

Ambry Genetics
Classification: Uncertain significance for Inborn genetic diseases. Last evaluated: 2025-10-14. Review status: criteria provided, single submitter. Criteria: Ambry Variant Classification Scheme 2023. Collection method: clinical testing. Allele origin: germline.

Blueprint Genetics
Classification: Uncertain significance. Last evaluated: 2023-10-23. Review status: criteria provided, single submitter. Criteria: ACMG Guidelines, 2015. Collection method: clinical testing. Allele origin: germline.

Labcorp Genetics (formerly Invitae), Labcorp
Classification: Uncertain significance for Cohen syndrome. Last evaluated: 2022-09-07. Review status: criteria provided, single submitter. Criteria: Invitae Variant Classification Sherloc (09022015). Collection method: clinical testing. Allele origin: germline.
Comment: This sequence change replaces serine, which is neutral and polar, with leucine, which is neutral and non-polar, at codon 3796 of the VPS13B protein (p.Ser3796Leu). This variant is present in population databases (rs142516047, gnomAD 0.02%). This variant has not been reported in the literature in individuals affected with VPS13B-related conditions. ClinVar contains an entry for this variant (Variation ID: 528849). Algorithms developed to predict the effect of missense changes on protein structure and function are either unavailable or do not agree on the potential impact of this missense change (SIFT: "Not Available"; PolyPhen-2: "Possibly Damaging"; Align-GVGD: "Not Available"). In summary, the available evidence is currently insufficient to determine the role of this variant in disease. Therefore, it has been classified as a Variant of Uncertain Significance.

New York Genome Center
Classification: Uncertain significance for Cohen syndrome. Last evaluated: 2020-12-22. Review status: criteria provided, single submitter. Criteria: NYGC Assertion Criteria 2020. Collection method: clinical testing. Allele origin: germline. Observed: 1 heterozygote.

Natera, Inc.
Classification: Uncertain significance for Cohen syndrome. Last evaluated: 2020-09-16. Review status: no assertion criteria provided. Collection method: clinical testing. Allele origin: germline. Not counted in ClinVar's aggregate classification.

NM_152564.5(VPS13B):c.11312C>T (p.Ser3771Leu)

Gene: VPS13B (vacuolar protein sorting 13 homolog B; plus strand). Cytogenetic location: 8q22.2.
Variant type: single nucleotide variant.
Coding change: c.11312C>T on transcript NM_152564.5 (MANE Select); coding-DNA position 11312, C replaced by T.
Protein change: p.Ser3771Leu; replaces serine 3771 with leucine.
Molecular consequence: missense variant.
Genome position (GRCh38, 1-based): chr8:99,868,385, C>T. VCF-style: chr8-99868385-C-T. GRCh37 (hg19) VCF-style: chr8-100880613-C-T.
Other names: c.11387C>T, p.Ser3796Leu (NM_017890.5); short protein forms S3796L, S3771L.
Identifiers: ClinVar variation 528849 (VCV000528849.19), dbSNP rs142516047, ClinGen allele CA4825205.